The following is an entry in ClinVar:

NM_001013672.5(LIAT1):c.801C>T (p.Pro267=)

Genes: LIAT1 (ligand of ATE1; plus strand), LOC105371430 (uncharacterized LOC105371430; minus strand). Cytogenetic location: 17p13.3.
Variant type: single nucleotide variant.
Coding change: c.801C>T on transcript NM_001013672.5 (MANE Select); coding-DNA position 801, C replaced by T.
Protein change: p.Pro267=; no amino-acid change (proline 267 retained).
Molecular consequence: synonymous variant.
Genome position (GRCh38, 1-based): chr17:413,644, C>T. VCF-style: chr17-413644-C-T. GRCh37 (hg19) VCF-style: chr17-263435-C-T.
Identifiers: ClinVar variation 2647159 (VCV002647159.24), dbSNP rs12942341, ClinGen allele CA8260735.

ClinVar aggregate classification (germline): Likely benign (1 of 4 stars; one submission).

Allele frequency attached by ClinVar (database versions not stated): ESP Exome Variant Server 0.00008; gnomAD exomes 0.00020; gnomAD 0.00028; ExAC 0.02776.
gnomAD v4.1: 322 of 1,548,912 alleles (0.021%); highest among the groups gnomAD compares: Admixed American, 0.059%; 41 homozygotes.

Submission:

CeGaT Center for Human Genetics Tuebingen
Classification: Likely benign. Last evaluated: 2026-03-01. Review status: criteria provided, single submitter. Criteria: CeGaT Center For Human Genetics Tuebingen Variant Classification Criteria Version 2. Collection method: clinical testing. Allele origin: germline. Affected: yes. Observed: 4 variant alleles.
Comment: LIAT1: BP4, BP7, BS2